The following is an entry in ClinVar:

ClinVar aggregate classification (germline): Uncertain significance. Review status: criteria provided, multiple submitters, no conflicts (2 of 4 stars). 2 submissions from 2 submitters: Uncertain significance (2). Last evaluated 2025-08-28.

Allele frequency attached by ClinVar (database versions not stated): TOPMed below 0.00001; gnomAD exomes 0.00001; ExAC 0.00002.
gnomAD v4.1: 3 of 1,612,832 alleles (0.00019%); highest among the groups gnomAD compares: Non-Finnish European, 0.00025%; no homozygotes.

Submissions (2):

Mayo Clinic Laboratories, Mayo Clinic
Classification: Uncertain significance. Last evaluated: 2025-08-28. Review status: criteria provided, single submitter. Criteria: ACMG Guidelines, 2015. Collection method: clinical testing. Allele origin: germline. Observed: 1 variant allele.
Comment: BP4_moderate

Labcorp Genetics (formerly Invitae), Labcorp
Classification: Uncertain significance. Last evaluated: 2024-01-07. Review status: criteria provided, single submitter. Criteria: Invitae Variant Classification Sherloc (09022015). Collection method: clinical testing. Allele origin: germline.
Comment: This sequence change replaces valine, which is neutral and non-polar, with leucine, which is neutral and non-polar, at codon 460 of the IARS2 protein (p.Val460Leu). This variant is present in population databases (rs753513419, gnomAD 0.002%). This variant has not been reported in the literature in individuals affected with IARS2-related conditions. Algorithms developed to predict the effect of missense changes on protein structure and function output the following: SIFT: "Not Available"; PolyPhen-2: "Benign"; Align-GVGD: "Not Available". The leucine amino acid residue is found in multiple mammalian species, which suggests that this missense change does not adversely affect protein function. In summary, the available evidence is currently insufficient to determine the role of this variant in disease. Therefore, it has been classified as a Variant of Uncertain Significance.

NM_018060.4(IARS2):c.1378G>T (p.Val460Leu)

Gene: IARS2 (isoleucyl-tRNA synthetase 2, mitochondrial; plus strand). Cytogenetic location: 1q41.
Variant type: single nucleotide variant.
Coding change: c.1378G>T on transcript NM_018060.4 (MANE Select); coding-DNA position 1378, G replaced by T.
Protein change: p.Val460Leu; replaces valine 460 with leucine.
Molecular consequence: missense variant.
Genome position (GRCh38, 1-based): chr1:220,110,836, G>T. VCF-style: chr1-220110836-G-T. GRCh37 (hg19) VCF-style: chr1-220284178-G-T.
Other names: p.Val460Leu; short protein forms V460L.
Identifiers: ClinVar variation 2775917 (VCV002775917.4), dbSNP rs753513419, ClinGen allele CA1401417.
Genomic context (GRCh38, chr1:220,110,836, plus strand): 5'-TTTTTTAAAGTTATAAAGATGCTTCAGACTGCAAAGAATTTGTTGAAAGAGGAGAAATTG[G>T]TGCATAGCTATCCGTATGACTGGAGGACCAAGAAACCTGTGGTTATTCGTGCCAGCAAGC-3'
Protein context (NP_060530.3, residues 450-470): AKNLLKEEKL[Val460Leu]HSYPYDWRTK